The following is an entry in ClinVar:

NM_001130965.3(SUN1):c.2254G>A (p.Asp752Asn)

Gene: SUN1 (Sad1 and UNC84 domain containing 1; plus strand). Cytogenetic location: 7p22.3.
Variant type: single nucleotide variant.
Coding change: c.2254G>A on transcript NM_001130965.3 (MANE Select); coding-DNA position 2254, G replaced by A.
Protein change: p.Asp752Asn; replaces aspartic acid 752 with asparagine.
Molecular consequence: missense variant. On other transcripts: non-coding transcript variant (3).
Genome position (GRCh38, 1-based): chr7:873,227, G>A. VCF-style: chr7-873227-G-A. GRCh37 (hg19) VCF-style: chr7-912864-G-A.
Other names: c.2449G>A, p.Asp817Asn (NM_001367697.1); c.2533G>A, p.Asp845Asn (NM_001367698.1); c.2551G>A, p.Asp851Asn (NM_001367699.1); c.2464G>A, p.Asp822Asn (NM_001367700.1, NM_001367655.1); c.2155G>A, p.Asp719Asn (NM_001367701.1); c.2261G>A, p.Arg754Gln (NM_001367702.1); c.2554G>A, p.Asp852Asn (NM_001367703.1); c.2266G>A, p.Asp756Asn (NM_001367704.1); and 56 more; short protein forms D514N, D649N, D726N, D747N, D751N, D756N, D765N, D768N.
Identifiers: ClinVar variation 941919 (VCV000941919.10), dbSNP rs768700424, ClinGen allele CA4112550.

ClinVar aggregate classification (germline): Uncertain significance. Review status: criteria provided, multiple submitters, no conflicts (2 of 4 stars). 2 submissions from 2 submitters: Uncertain significance (2). Last evaluated 2025-01-06.

Conditions:
Emery-Dreifuss muscular dystrophy (EDMD). Also called: Scapuloperoneal syndrome, X-linked (formerly); Humeroperoneal neuromuscular disease, (formerly). Identifiers: Orphanet 261, MedGen C0410189, MONDO:0016830.

Allele frequency attached by ClinVar (database versions not stated): gnomAD 0.00001 and 0.00002; ExAC 0.00002; gnomAD exomes 0.00002 and 0.00003; TOPMed 0.00003.
gnomAD v4.1: 47 of 1,614,074 alleles (0.0029%); highest among the groups gnomAD compares: East Asian, 0.011%; no homozygotes.

Submissions (2):

Labcorp Genetics (formerly Invitae), Labcorp
Classification: Uncertain significance for Emery-Dreifuss muscular dystrophy. Last evaluated: 2025-01-06. Review status: criteria provided, single submitter. Criteria: Invitae Variant Classification Sherloc (09022015). Collection method: clinical testing. Allele origin: germline.
Comment: This sequence change replaces aspartic acid, which is acidic and polar, with asparagine, which is neutral and polar, at codon 752 of the SUN1 protein (p.Asp752Asn). This variant is present in population databases (rs768700424, gnomAD 0.008%). This variant has not been reported in the literature in individuals affected with SUN1-related conditions. ClinVar contains an entry for this variant (Variation ID: 941919). An algorithm developed to predict the effect of missense changes on protein structure and function (PolyPhen-2) suggests that this variant is likely to be disruptive. In summary, the available evidence is currently insufficient to determine the role of this variant in disease. Therefore, it has been classified as a Variant of Uncertain Significance.

Ambry Genetics
Classification: Uncertain significance. Last evaluated: 2024-03-07. Review status: criteria provided, single submitter. Criteria: Ambry Variant Classification Scheme 2023. Collection method: clinical testing. Allele origin: germline.